The following is an entry in ClinVar:

NM_004525.3(LRP2):c.7590C>G (p.Ala2530=)

Gene: LRP2 (LDL receptor related protein 2; minus strand). Cytogenetic location: 2q31.1.
Variant type: single nucleotide variant.
Coding change: c.7590C>G on transcript NM_004525.3 (MANE Select); coding-DNA position 7590, C replaced by G.
Protein change: p.Ala2530=; no amino-acid change (alanine 2530 retained).
Molecular consequence: synonymous variant.
Genome position (GRCh38, 1-based): chr2:169,205,604, G>C on the plus strand (C>G on the coding strand, the complement: LRP2 is on the minus strand). VCF-style: chr2-169205604-G-C. GRCh37 (hg19) VCF-style: chr2-170062114-G-C.
Identifiers: ClinVar variation 1625135 (VCV001625135.27), dbSNP rs141872736, ClinGen allele CA1954051.

ClinVar aggregate classification (germline): Likely benign. Review status: criteria provided, multiple submitters, no conflicts (2 of 4 stars). 4 submissions from 4 submitters: Likely benign (4). Last evaluated 2025-06-08.

Allele frequency attached by ClinVar (database versions not stated): gnomAD exomes 0.00004 and 0.00005; ExAC 0.00008; ESP Exome Variant Server 0.00008; gnomAD 0.00010 and 0.00011.
gnomAD v4.1: 81 of 1,613,462 alleles (0.005%); highest among the groups gnomAD compares: Non-Finnish European, 0.0047%; no homozygotes.

Submissions (4):

Labcorp Genetics (formerly Invitae), Labcorp
Classification: Likely benign. Last evaluated: 2025-06-08. Review status: criteria provided, single submitter. Criteria: Invitae Variant Classification Sherloc (09022015). Collection method: clinical testing. Allele origin: germline.

Laboratory of Genetics, Children's Clinical University Hospital Latvia
Classification: Likely benign. Last evaluated: 2025-02-16. Review status: criteria provided, single submitter. Criteria: ACMG Guidelines, 2015. Collection method: clinical testing. Allele origin: germline. Affected: yes.

Blueprint Genetics
Classification: Likely benign. Last evaluated: 2024-09-16. Review status: criteria provided, single submitter. Criteria: ACMG Guidelines, 2015. Collection method: clinical testing. Allele origin: germline.

CeGaT Center for Human Genetics Tuebingen
Classification: Likely benign. Last evaluated: 2024-08-01. Review status: criteria provided, single submitter. Criteria: CeGaT Center For Human Genetics Tuebingen Variant Classification Criteria Version 2. Collection method: clinical testing. Allele origin: germline. Affected: yes. Observed: 1 variant allele.
Comment: LRP2: BP4, BP7